The following is an entry in ClinVar:

NM_000059.4(BRCA2):c.4033G>A (p.Asp1345Asn)

Gene: BRCA2 (BRCA2 DNA repair associated; plus strand). Cytogenetic location: 13q13.1.
Variant type: single nucleotide variant.
Coding change: c.4033G>A on transcript NM_000059.4 (MANE Select); coding-DNA position 4033, G replaced by A.
Protein change: p.Asp1345Asn; replaces aspartic acid 1345 with asparagine.
Molecular consequence: missense variant.
Genome position (GRCh38, 1-based): chr13:32,338,388, G>A. VCF-style: chr13-32338388-G-A. GRCh37 (hg19) VCF-style: chr13-32912525-G-A.
Other names: short protein forms D1345N.
Identifiers: ClinVar variation 531333 (VCV000531333.15), dbSNP rs1555283516, ClinGen allele CA387779070.

ClinVar aggregate classification (germline): Conflicting classifications of pathogenicity. Review status: criteria provided, conflicting classifications (1 of 4 stars). 3 submissions from 3 submitters: Uncertain significance (2); Likely benign (1). Last evaluated 2024-10-02.

Conditions:
Hereditary cancer-predisposing syndrome. Also called: Hereditary neoplastic syndrome; Neoplastic Syndromes, Hereditary; Tumor predisposition; Hereditary Cancer Syndrome. Identifiers: Orphanet 140162, MedGen C0027672, MeSH D009386, MONDO:0015356.
Hereditary breast ovarian cancer syndrome. Also called: Hereditary breast and ovarian cancer syndrome (HBOC); BRCA1- and BRCA2-Associated Hereditary Breast and Ovarian Cancer; Hereditary breast and ovarian cancer syndrome; Breast and ovarian cancer; Hereditary breast and ovarian cancer; Hereditary breast and/or ovarian cancer syndrome. Identifiers: Orphanet 145, MedGen C0677776, MeSH D061325, MONDO:0003582. Disease mechanism: loss of function.

Submissions (3):

Ambry Genetics
Classification: Uncertain significance for Hereditary cancer-predisposing syndrome. Last evaluated: 2024-10-02. Review status: criteria provided, single submitter. Criteria: Ambry Variant Classification Scheme 2023. Collection method: clinical testing. Allele origin: germline.
Comment: The p.D1345N variant (also known as c.4033G>A), located in coding exon 10 of the BRCA2 gene, results from a G to A substitution at nucleotide position 4033. The aspartic acid at codon 1345 is replaced by asparagine, an amino acid with highly similar properties. This amino acid position is conserved. In addition, this alteration is predicted to be tolerated by in silico analysis. Since supporting evidence is limited at this time, the clinical significance of this alteration remains unclear.

Labcorp Genetics (formerly Invitae), Labcorp
Classification: Uncertain significance for Hereditary breast ovarian cancer syndrome. Last evaluated: 2024-05-21. Review status: criteria provided, single submitter. Criteria: Invitae Variant Classification Sherloc (09022015). Collection method: clinical testing. Allele origin: germline.
Comment: This sequence change replaces aspartic acid, which is acidic and polar, with asparagine, which is neutral and polar, at codon 1345 of the BRCA2 protein (p.Asp1345Asn). This variant is not present in population databases (gnomAD no frequency). This variant has not been reported in the literature in individuals affected with BRCA2-related conditions. ClinVar contains an entry for this variant (Variation ID: 531333). Advanced modeling of protein sequence and biophysical properties (such as structural, functional, and spatial information, amino acid conservation, physicochemical variation, residue mobility, and thermodynamic stability) performed at Invitae indicates that this missense variant is not expected to disrupt BRCA2 protein function with a negative predictive value of 95%. In summary, the available evidence is currently insufficient to determine the role of this variant in disease. Therefore, it has been classified as a Variant of Uncertain Significance.

University of Washington Department of Laboratory Medicine, University of Washington
Classification: Likely benign for Hereditary cancer-predisposing syndrome. Last evaluated: 2023-03-23. Review status: criteria provided, single submitter. Criteria: Dines et al. (Genet Med. 2020). Collection method: curation. Allele origin: germline.
Comment: Missense variant in a coldspot region where missense variants are very unlikely to be pathogenic (PMID:31911673).

BRCA2 exon 11 coldspot. Reclassification based on statistical prior probability.